The following is an entry in ClinVar:

NC_012920.1(MT-CYB):m.14888G>A

Gene: MT-CYB (mitochondrially encoded cytochrome b; plus strand).
Variant type: single nucleotide variant.
Genome position: chrM-14888-G-A.
Identifiers: ClinVar variation 693786 (VCV000693786.1), dbSNP rs1603224952, ClinGen allele CA913172369.

ClinVar aggregate classification (germline): Uncertain significance (1 of 4 stars; one submission).

Conditions:
Leigh syndrome (NULS). Also called: Leigh's necrotizing encephalopathy; Leigh's disease; Leigh's syndrome; LEIGH SYNDROME, NUCLEAR; Leigh Syndrome (mtDNA deletion); Leigh Disease. Identifiers: Orphanet 506, MedGen C2931891, MONDO:0009723, OMIM 256000.

Submission:

Wong Mito Lab, Molecular and Human Genetics, Baylor College of Medicine
Classification: Uncertain significance for Leigh syndrome. Last evaluated: 2019-10-17. Review status: criteria provided, single submitter. Criteria: Modified ACMG Guidelines (Unpublished). Collection method: clinical testing. Allele origin: germline.
Comment: The NC_012920.1:m.14888G>A (YP_003024038.1:p.Gly48Ter) variant in MTCYB gene is interpretated to be a Uncertain Significance variant based on the modified ACMG guidelines (unpublished). This variant meets the following evidence codes: PP7